The following is an entry in ClinVar:

NM_005267.5(GJA8):c.64G>T (p.Gly22Cys)

Gene: GJA8 (gap junction protein alpha 8; plus strand). Cytogenetic location: 1q21.2.
Variant type: single nucleotide variant.
Coding change: c.64G>T on transcript NM_005267.5 (MANE Select); coding-DNA position 64, G replaced by T.
Protein change: p.Gly22Cys; replaces glycine 22 with cysteine.
Molecular consequence: missense variant.
Genome position (GRCh38, 1-based): chr1:147,908,019, G>T. VCF-style: chr1-147908019-G-T. GRCh37 (hg19) VCF-style: chr1-147380146-G-T.
Other names: short protein forms G22C.
Identifiers: ClinVar variation 2845763 (VCV002845763.3), dbSNP rs2149015335, ClinGen allele CA342222975.

ClinVar aggregate classification (germline): Likely pathogenic (1 of 4 stars; one submission).

Conditions:
Cataract 1 multiple types. Also called: CATARACT 1, NUCLEAR PROGRESSIVE; CATARACT 1 WITH MICROCORNEA; CATARACT 1, POSTERIOR SUBCAPSULAR, WITH MICROCORNEA; CATARACT 1, STELLATE NUCLEAR, WITH MICROCORNEA; CATARACT, DUFFY-LINKED; CATARACT 1, MULTIPLE TYPES, WITH OR WITHOUT MICROCORNEA. Identifiers: Orphanet 1377, MedGen C1861828, MONDO:0007285, OMIM 116200.

Submission:

Labcorp Genetics (formerly Invitae), Labcorp
Classification: Likely pathogenic for Cataract 1 multiple types. Last evaluated: 2023-03-14. Review status: criteria provided, single submitter. Criteria: Invitae Variant Classification Sherloc (09022015). Collection method: clinical testing. Allele origin: germline.
Comment: This sequence change replaces glycine, which is neutral and non-polar, with cysteine, which is neutral and slightly polar, at codon 22 of the GJA8 protein (p.Gly22Cys). This variant is not present in population databases (gnomAD no frequency). This missense change has been observed in individual(s) with clinical features of autosomal dominant GJA8-related conditions (Invitae). Advanced modeling of protein sequence and biophysical properties (such as structural, functional, and spatial information, amino acid conservation, physicochemical variation, residue mobility, and thermodynamic stability) performed at Invitae indicates that this missense variant is expected to disrupt GJA8 protein function. This variant disrupts the p.Gly22 amino acid residue in GJA8. Other variant(s) that disrupt this residue have been observed in individuals with GJA8-related conditions (PMID: 31618082, 34722561), which suggests that this may be a clinically significant amino acid residue. In summary, the currently available evidence indicates that the variant is pathogenic, but additional data are needed to prove that conclusively. Therefore, this variant has been classified as Likely Pathogenic.

Literature cited by the submitters: PubMed 31618082; PubMed 34722561.